The following is an entry in ClinVar:

ClinVar aggregate classification (germline): Likely benign. Review status: criteria provided, multiple submitters, no conflicts (2 of 4 stars). 3 submissions from 3 submitters: Likely benign (2). 1 of the submissions does not count toward it. Last evaluated 2026-01-19.

Conditions:
LTBP4-related disorder. Also called: LTBP4-related condition.

Allele frequency attached by ClinVar (database versions not stated): gnomAD 0.00003; ESP Exome Variant Server 0.00008.
gnomAD v4.1: 244 of 1,610,938 alleles (0.015%); highest among the groups gnomAD compares: Non-Finnish European, 0.019%; no homozygotes.

Submissions (3):

Labcorp Genetics (formerly Invitae), Labcorp
Classification: Likely benign. Last evaluated: 2026-01-19. Review status: criteria provided, single submitter. Criteria: Invitae Variant Classification Sherloc (09022015). Collection method: clinical testing. Allele origin: germline.

GeneDx
Classification: Likely benign. Last evaluated: 2017-01-26. Review status: criteria provided, single submitter. Criteria: GeneDx Variant Classification (06012015). Collection method: clinical testing. Allele origin: germline. Affected: yes.
Comment: This variant is considered likely benign or benign based on one or more of the following criteria: it is a conservative change, it occurs at a poorly conserved position in the protein, it is predicted to be benign by multiple in silico algorithms, and/or has population frequency not consistent with disease.

PreventionGenetics, part of Exact Sciences
Classification: Likely benign for LTBP4-related condition. Last evaluated: 2019-11-26. Review status: no assertion criteria provided. Collection method: clinical testing. Allele origin: germline. Not counted in ClinVar's aggregate classification.
Comment: This variant is classified as likely benign based on ACMG/AMP sequence variant interpretation guidelines (Richards et al. 2015 PMID: 25741868, with internal and published modifications).

NM_001042545.2(LTBP4):c.2179+9G>A

Gene: LTBP4 (latent transforming growth factor beta binding protein 4; plus strand). Cytogenetic location: 19q13.2.
Variant type: single nucleotide variant.
Coding change: c.2179+9G>A on transcript NM_001042545.2 (MANE Select); 9 bases into the intron after coding-DNA position 2179, G replaced by A.
Molecular consequence: intron variant.
Genome position (GRCh38, 1-based): chr19:40,611,993, G>A. VCF-style: chr19-40611993-G-A. GRCh37 (hg19) VCF-style: chr19-41117899-G-A.
Other names: c.2269+9G>A (NM_003573.2); c.2380+9G>A (NM_001042544.1).
Identifiers: ClinVar variation 507018 (VCV000507018.7), dbSNP rs375581403, ClinGen allele CA9448553.